The following is an entry in ClinVar:

NM_000540.3(RYR1):c.9731C>G (p.Pro3244Arg)

Gene: RYR1 (ryanodine receptor 1; plus strand). Cytogenetic location: 19q13.2.
Variant type: single nucleotide variant.
Coding change: c.9731C>G on transcript NM_000540.3 (MANE Select); coding-DNA position 9731, C replaced by G.
Protein change: p.Pro3244Arg; replaces proline 3244 with arginine.
Molecular consequence: missense variant.
Genome position (GRCh38, 1-based): chr19:38,517,404, C>G. VCF-style: chr19-38517404-C-G. GRCh37 (hg19) VCF-style: chr19-39008044-C-G.
Other names: c.9731C>G, p.Pro3244Arg (NM_001042723.2); short protein forms P3244R.
Identifiers: ClinVar variation 4975109 (VCV004975109.1).

ClinVar aggregate classification (germline): Uncertain significance (1 of 4 stars; one submission).

Submission:

GeneDx
Classification: Uncertain significance. Last evaluated: 2026-02-09. Review status: criteria provided, single submitter. Criteria: GeneDx Variant Classification Process June 2021. Collection method: clinical testing. Allele origin: germline.
Comment: Not observed at significant frequency in large population cohorts (gnomAD); In silico analysis supports that this missense variant has a deleterious effect on protein structure/function; Has not been previously published as pathogenic or benign to our knowledge